The following is an entry in ClinVar:

NM_207122.2(EXT2):c.1245del (p.Asn415fs)

Gene: EXT2 (exostosin glycosyltransferase 2; plus strand). Cytogenetic location: 11p11.2.
Variant type: Deletion.
Coding change: c.1245del on transcript NM_207122.2 (MANE Select); coding-DNA position 1245, one base deleted (T; older notation c.1245delT).
Protein change: p.Asn415fs; shifts the reading frame from asparagine 415.
Molecular consequence: frameshift variant.
Genome position (GRCh38, 1-based): chr11:44,171,682, T deleted. VCF-style (leftmost placement, unchanged base first): chr11-44171681-AT-A. GRCh37 (hg19) VCF-style: chr11-44193231-AT-A.
Other names: c.1344del, p.Asn448fs (NM_000401.3); c.1275del, p.Asn425fs (NM_001178083.3); c.1245del, p.Asn415fs (NM_001389628.1, NM_001389630.1); short protein forms N448fs, N415fs, N425fs.
Identifiers: ClinVar variation 2027917 (VCV002027917.4), dbSNP rs2539665065, ClinGen allele CA2580084101.

ClinVar aggregate classification (germline): Pathogenic (1 of 4 stars; one submission).

Conditions:
Exostoses, multiple, type 2 (EXT2). Also called: Hereditary Multiple Osteochondromatosis, Type II; EXOSTOSES, MULTIPLE, TYPE II. Identifiers: Orphanet 321, MedGen C1851413, MONDO:0007586, OMIM 133701.

Submission:

Labcorp Genetics (formerly Invitae), Labcorp
Classification: Pathogenic for Exostoses, multiple, type 2. Last evaluated: 2022-08-30. Review status: criteria provided, single submitter. Criteria: Invitae Variant Classification Sherloc (09022015). Collection method: clinical testing. Allele origin: germline.
Comment: This variant is not present in population databases (gnomAD no frequency). For these reasons, this variant has been classified as Pathogenic. This variant has not been reported in the literature in individuals affected with EXT2-related conditions. This sequence change creates a premature translational stop signal (p.Asn415Lysfs*21) in the EXT2 gene. It is expected to result in an absent or disrupted protein product. Loss-of-function variants in EXT2 are known to be pathogenic (PMID: 10679937, 19810120).

Literature cited by the submitters: PubMed 10679937; PubMed 19810120.